The following is an entry in ClinVar:

NM_005359.6(SMAD4):c.860dup (p.His287fs)

Gene: SMAD4 (SMAD family member 4; plus strand). Cytogenetic location: 18q21.2.
Variant type: Duplication.
Coding change: c.860dup on transcript NM_005359.6 (MANE Select); coding-DNA position 860, one base duplicated (A; older notation c.860dupA).
Protein change: p.His287fs; shifts the reading frame from histidine 287.
Molecular consequence: frameshift variant. On other transcripts: non-coding transcript variant (2).
Genome position (GRCh38, 1-based): chr18:51,058,412, A duplicated. VCF-style (leftmost placement, unchanged base first): chr18-51058411-C-CA. GRCh37 (hg19) VCF-style: chr18-48584781-C-CA.
Other names: c.860dup, p.His287fs (NM_001407041.1, NM_001407042.1, NM_001407043.1); short protein forms H287fs.
Identifiers: ClinVar variation 2850556 (VCV002850556.3), dbSNP rs2511377350, ClinGen allele CA2739268750.

ClinVar aggregate classification (germline): Pathogenic (1 of 4 stars; one submission).

Conditions:
Juvenile polyposis syndrome (JPS). Identifiers: Orphanet 2929, MedGen C0345893, MONDO:0017380, OMIM 174900.

Submission:

Labcorp Genetics (formerly Invitae), Labcorp
Classification: Pathogenic for Juvenile polyposis syndrome. Last evaluated: 2023-03-29. Review status: criteria provided, single submitter. Criteria: Invitae Variant Classification Sherloc (09022015). Collection method: clinical testing. Allele origin: germline.
Comment: This variant is not present in population databases (gnomAD no frequency). This sequence change creates a premature translational stop signal (p.His287Glnfs*21) in the SMAD4 gene. It is expected to result in an absent or disrupted protein product. Loss-of-function variants in SMAD4 are known to be pathogenic (PMID: 16152648, 16436638, 22810475). This variant has not been reported in the literature in individuals affected with SMAD4-related conditions. For these reasons, this variant has been classified as Pathogenic.

Literature cited by the submitters: PubMed 16152648; PubMed 16436638; PubMed 22810475.